The following is an entry in ClinVar:

NM_000322.5(PRPH2):c.96dup (p.Ile33fs)

Gene: PRPH2 (peripherin 2; minus strand). Cytogenetic location: 6p21.1.
Variant type: Duplication.
Coding change: c.96dup on transcript NM_000322.5 (MANE Select); coding-DNA position 96, one base duplicated (C; older notation c.96dupC).
Protein change: p.Ile33fs; shifts the reading frame from isoleucine 33.
Molecular consequence: frameshift variant.
Genome position (GRCh38, 1-based): chr6:42,722,239, G duplicated on the plus strand (C on the coding strand, the reverse complement: PRPH2 is on the minus strand). VCF-style (leftmost placement, unchanged base first): chr6-42722238-T-TG. GRCh37 (hg19) VCF-style: chr6-42689976-T-TG.
Other names: c.96dup (NM_000322.4); short protein forms I33fs.
Identifiers: ClinVar variation 98723 (VCV000098723.9), dbSNP rs61755768, ClinGen allele CA226335.
Genomic context (GRCh38, chr6:42,722,238, plus strand): 5'-TCATCACATCGCTCCTCTTTCGGAGTTCAATCTTCAGGAACAGTCCTAGGCTGAAGATGA[T>TG]GATGCCAGCCAACACGGAGAACCAGTTCATGAGCCAGAGCCCTTGGGCCAACTTGACCCG-3'

ClinVar aggregate classification (germline): Pathogenic. Review status: criteria provided, multiple submitters, no conflicts (2 of 4 stars). 5 submissions from 5 submitters: Pathogenic (3). 2 of the submissions do not count toward it. Last evaluated 2025-12-15.

Conditions:
PRPH2-related disorder. Also called: PRPH2-related condition; PRPH2-related disorders. Identifiers: MedGen CN239395.

Submissions (5):

3billion
Classification: Pathogenic for PRPH2-related disorder. Last evaluated: 2025-12-15. Review status: criteria provided, single submitter. Criteria: ACMG Guidelines, 2015. Collection method: clinical testing. Allele origin: germline. Affected: yes.
Comment: The variant is not observed in the gnomAD v4.1.0 dataset. Predicted Consequence/Location: Frameshift: predicted to result in a loss or disruption of normal protein function through nonsense-mediated decay (NMD) or protein truncation. Multiple pathogenic variants are reported downstream of the variant. The variant has been reported at least twice as pathogenic without evidence for the classification (ClinVar ID: VCV000098723 /PMID: 8675410). Therefore, this variant is classified as Pathogenic according to the recommendation of ACMG/AMP guideline.

Labcorp Genetics (formerly Invitae), Labcorp
Classification: Pathogenic for PRPH2-related disorder. Last evaluated: 2025-07-01. Review status: criteria provided, single submitter. Criteria: Invitae Variant Classification Sherloc (09022015). Collection method: clinical testing. Allele origin: germline.
Comment: This sequence change creates a premature translational stop signal (p.Ile33Hisfs*12) in the PRPH2 gene. It is expected to result in an absent or disrupted protein product. Loss-of-function variants in PRPH2 are known to be pathogenic (PMID: 8111389, 8485575, 8485576, 8675410, 16916875, 17504850, 22863181, 25675413, 26061163, 27365499, 29555955, 33546218). This variant is not present in population databases (gnomAD no frequency). This premature translational stop signal has been observed in individual(s) with PRPH2-related conditions (PMID: 8675410). ClinVar contains an entry for this variant (Variation ID: 98723). For these reasons, this variant has been classified as Pathogenic.

Dasa
Classification: Pathogenic. Last evaluated: 2024-05-22. Review status: criteria provided, single submitter. Criteria: DASA Assertion Criteria. Collection method: clinical testing. Allele origin: germline.
Comment: NM_000322.5(PRPH2):c.96dup (p.Ile33Hisfs*12) introduces a premature termination codon predicted to result in loss of normal protein function. Loss-of-function is an established mechanism of disease for this gene. Based on the available data, this variant is classified as pathogenic.

Leiden Open Variation Database
Classification: Pathogenic. Last evaluated: 2021-04-06. Review status: no assertion criteria provided. Collection method: curation. Allele origin: germline. Affected: yes. Not counted in ClinVar's aggregate classification.
Comment: Curator: Global Variome, with Curator vacancy. Submitter to LOVD: Manon Peeters.

Retina International
No classification provided. Review status: no classification provided. Collection method: not provided. Allele origin: not provided. Not counted in ClinVar's aggregate classification.

Literature cited by the submitters: PubMed 8675410 (cited by 3 submitters); PubMed 8111389 (cited by Labcorp Genetics (formerly Invitae), Labcorp); PubMed 8485575 (cited by Labcorp Genetics (formerly Invitae), Labcorp); PubMed 8485576 (cited by Labcorp Genetics (formerly Invitae), Labcorp); PubMed 16916875 (cited by Labcorp Genetics (formerly Invitae), Labcorp); PubMed 17504850 (cited by Labcorp Genetics (formerly Invitae), Labcorp); PubMed 22863181 (cited by Labcorp Genetics (formerly Invitae), Labcorp); PubMed 25675413 (cited by Labcorp Genetics (formerly Invitae), Labcorp); PubMed 26061163 (cited by Labcorp Genetics (formerly Invitae), Labcorp); PubMed 27365499 (cited by Labcorp Genetics (formerly Invitae), Labcorp); PubMed 29555955 (cited by Labcorp Genetics (formerly Invitae), Labcorp); PubMed 33546218 (cited by Labcorp Genetics (formerly Invitae), Labcorp); PubMed 30726412 (cited by Leiden Open Variation Database).